The following is an entry in ClinVar:

NM_000089.4(COL1A2):c.1538C>T (p.Ala513Val)

Gene: COL1A2 (collagen type I alpha 2 chain; plus strand). Cytogenetic location: 7q21.3.
Variant type: single nucleotide variant.
Coding change: c.1538C>T on transcript NM_000089.4 (MANE Select); coding-DNA position 1538, C replaced by T.
Protein change: p.Ala513Val; replaces alanine 513 with valine.
Molecular consequence: missense variant.
Genome position (GRCh38, 1-based): chr7:94,413,117, C>T. VCF-style: chr7-94413117-C-T. GRCh37 (hg19) VCF-style: chr7-94042429-C-T.
Other names: short protein forms A513V.
Identifiers: ClinVar variation 4849155 (VCV004849155.1).

ClinVar aggregate classification (germline): Uncertain significance (1 of 4 stars; one submission).

gnomAD v4.1: 2 of 1,614,154 alleles (0.00012%); highest among the groups gnomAD compares: Non-Finnish European, 0.00017%; no homozygotes.

Submission:

Women's Health and Genetics/Laboratory Corporation of America, LabCorp
Classification: Uncertain significance. Last evaluated: 2026-04-29. Review status: criteria provided, single submitter. Criteria: LabCorp Variant Classification Summary - May 2015. Collection method: clinical testing. Allele origin: germline.
Comment: Variant summary: COL1A2 c.1538C>T (p.Ala513Val) results in a non-conservative amino acid change located in the Collagen triple helix repeat region (IPR008160) of the encoded protein sequence. Algorithms developed to predict the effect of missense changes on protein structure and function are either unavailable or do not agree on the potential impact of this missense change. The variant allele was found at a frequency of 1.2e-06 in 1607180 control chromosomes in the gnomAD database (v4.1 dataset). The available data on variant occurrences in the general population are insufficient to allow any conclusion about variant significance. To our knowledge, no occurrence of c.1538C>T in individuals affected with COL1A2-related conditions and no experimental evidence demonstrating its impact on protein function have been reported. No submitters have cited clinical-significance assessments for this variant to ClinVar. Based on the evidence outlined above, the variant was classified as uncertain significance.